The following is an entry in ClinVar:

NM_020745.4(AARS2):c.755C>G (p.Ala252Gly)

Gene: AARS2 (alanyl-tRNA synthetase 2, mitochondrial; minus strand). Cytogenetic location: 6p21.1.
Variant type: single nucleotide variant.
Coding change: c.755C>G on transcript NM_020745.4 (MANE Select); coding-DNA position 755, C replaced by G.
Protein change: p.Ala252Gly; replaces alanine 252 with glycine.
Molecular consequence: missense variant.
Genome position (GRCh38, 1-based): chr6:44,310,438, G>C on the plus strand (C>G on the coding strand, the complement: AARS2 is on the minus strand). VCF-style: chr6-44310438-G-C. GRCh37 (hg19) VCF-style: chr6-44278175-G-C.
Other names: short protein forms A252G.
Identifiers: ClinVar variation 1313730 (VCV001313730.4), dbSNP rs748309472, ClinGen allele CA3834555.

ClinVar aggregate classification (germline): Uncertain significance (1 of 4 stars; one submission).

Allele frequency attached by ClinVar (database versions not stated): gnomAD exomes below 0.00001; ExAC 0.00001.

Submission:

GeneDx
Classification: Uncertain significance. Last evaluated: 2021-06-29. Review status: criteria provided, single submitter. Criteria: GeneDx Variant Classification Process June 2021. Collection method: clinical testing. Allele origin: germline. Affected: yes.
Comment: Not observed at significant frequency in large population cohorts (Lek et al., 2016); In silico analysis supports that this missense variant does not alter protein structure/function; Has not been previously published as pathogenic or benign to our knowledge; This variant is associated with the following publications: (PMID: 27535533)